The following is an entry in ClinVar:

NM_000305.3(PON2):c.359T>G (p.Ile120Arg)

Genes: ASB4 (ankyrin repeat and SOCS box containing 4; plus strand), PON2 (paraoxonase 2; minus strand), LOC107986822 (uncharacterized LOC107986822; plus strand). Cytogenetic location: 7q21.3.
Variant type: single nucleotide variant.
Coding change: c.359T>G on transcript NM_000305.3 (MANE Select); coding-DNA position 359, T replaced by G.
Protein change: p.Ile120Arg; replaces isoleucine 120 with arginine.
Molecular consequence: missense variant.
Genome position (GRCh38, 1-based): chr7:95,412,320, A>C on the plus strand (T>G on the coding strand, the complement: PON2 is on the minus strand). VCF-style: chr7-95412320-A-C. GRCh37 (hg19) VCF-style: chr7-95041632-A-C.
Other names: c.359T>G, p.Ile120Arg (NM_001018161.2); short protein forms I120R.
Identifiers: ClinVar variation 2691420 (VCV002691420.1), dbSNP rs762506289, ClinGen allele CA4351086.

ClinVar aggregate classification (germline): Likely benign (1 of 4 stars; one submission).

Allele frequency attached by ClinVar (database versions not stated): ExAC 0.00005; TOPMed 0.00015; gnomAD 0.00016.
gnomAD v4.1: 404 of 1,614,008 alleles (0.025%); highest among the groups gnomAD compares: Non-Finnish European, 0.033%; no homozygotes.

Submission:

Women's Health and Genetics/Laboratory Corporation of America, LabCorp
Classification: Likely benign. Last evaluated: 2023-12-04. Review status: criteria provided, single submitter. Criteria: LabCorp Variant Classification Summary - May 2015. Collection method: clinical testing. Allele origin: germline.
Comment: Variant summary: PON2 c.359T>G (p.Ile120Arg) results in a non-conservative amino acid change in the encoded protein sequence. Three of five in-silico tools predict a benign effect of the variant on protein function. The variant allele was found at a frequency of 0.00025 in 1614008 control chromosomes, predominantly at a frequency of 0.00033 within the Non-Finnish European subpopulation in the gnomAD database. The observed variant frequency within Non-Finnish European control individuals in the gnomAD database is approximately 16 fold of the estimated maximal expected allele frequency for a pathogenic variant in PON2 causing Early Onset Coronary Artery Disease phenotype (2e-05), strongly suggesting that the variant is a benign polymorphism found primarily in populations of Non-Finnish European origin. To our knowledge, no occurrence of c.359T>G in individuals affected with Early Onset Coronary Artery Disease and no experimental evidence demonstrating its impact on protein function have been reported. No submitters have cited clinical-significance assessments for this variant to ClinVar after 2014. Based on the evidence outlined above, the variant was classified as likely benign.